The following is an entry in ClinVar:

ClinVar aggregate classification (germline): Pathogenic. Review status: criteria provided, single submitter (1 of 4 stars). 2 submissions from 1 submitter: Pathogenic (1). 1 of the submissions does not count toward it. Last evaluated 2022-10-06.

Conditions:
Metachromatic leukodystrophy (MLD). Also called: Cerebral sclerosis diffuse metachromatic form; ARSA DEFICIENCY; CEREBROSIDE SULFATASE DEFICIENCY; METACHROMATIC LEUKOENCEPHALOPATHY; Arylsulfatase A Deficiency; SULFATIDE LIPIDOSIS. Identifiers: Orphanet 512, MedGen C0023522, MONDO:0018868, OMIM 250100.

Submissions (2):

Labcorp Genetics (formerly Invitae), Labcorp
Classification: Pathogenic. Last evaluated: 2022-10-06. Review status: criteria provided, single submitter. Criteria: Invitae Variant Classification Sherloc (09022015). Collection method: clinical testing. Allele origin: germline.
Comment: A gross deletion of the genomic region encompassing the full coding sequence of the TUBGCP6 gene has been identified. Loss-of-function variants in TUBGCP6 are known to be pathogenic (PMID: 25344692). The boundaries of this event are unknown as they extend beyond the assayed region for this gene and therefore may encompass additional genes. This variant has not been reported in the literature in individuals affected with TUBGCP6-related conditions. For these reasons, this variant has been classified as Pathogenic.

Labcorp Genetics (formerly Invitae), Labcorp
Classification: Pathogenic for Metachromatic leukodystrophy. Last evaluated: 2022-10-13. Review status: flagged submission. Criteria: Invitae Variant Classification Sherloc (09022015). Collection method: clinical testing. Allele origin: germline. Not counted in ClinVar's aggregate classification.
Comment: A gross deletion of the genomic region encompassing the full coding sequence of the ARSA gene has been identified. Loss-of-function variants in ARSA are known to be pathogenic (PMID: 8962139, 10477432). The boundaries of this event are unknown as they extend beyond the assayed region for this gene and therefore may encompass additional genes. A similar copy number variant has been observed in individuals with metachromatic leukodystrophy (PMID: 15211666, 30057904). For these reasons, this variant has been classified as Pathogenic.
ClinVar note: Reason: This record appears to be redundant with a more recent record from the same submitter.
ClinVar note: Notes: SCV003793310 appears to be redundant with SCV003791707.

Literature cited by the submitters: PubMed 25344692; PubMed 8962139; PubMed 10477432; PubMed 15211666; PubMed 30057904.

NC_000022.10:g.(?_50167881)_(51066207_?)del

Genes: ADM2 (adrenomedullin 2; plus strand), ALG12 (ALG12 alpha-1,6-mannosyltransferase; minus strand), ARSA (arylsulfatase A; minus strand), BRD1 (bromodomain containing 1; minus strand), CHKB (choline kinase beta; minus strand) and 28 more. Cytogenetic location: 22q13.33.
Variant type: Deletion.
Identifiers: ClinVar variation 2423149 (VCV002423149.4).